The following is an entry in ClinVar:

ClinVar aggregate classification (germline): Benign/Likely benign. Review status: criteria provided, multiple submitters, no conflicts (2 of 4 stars). 10 submissions from 10 submitters: Benign (8); Likely benign (1). 1 of the submissions does not count toward it. Last evaluated 2026-02-02.

Conditions:
Polycystic kidney disease 4 (PKD4). Also called: POLYCYSTIC KIDNEY DISEASE 4 WITH OR WITHOUT POLYCYSTIC LIVER DISEASE; Autosomal Recessive Polycystic Kidney Disease – PKHD1; POLYCYSTIC KIDNEY AND HEPATIC DISEASE 1; POLYCYSTIC KIDNEY DISEASE, INFANTILE, TYPE I; PKD3. Identifiers: MedGen C4540575, MONDO:0033004, OMIM 263200.
Autosomal recessive polycystic kidney disease (ARPKD). Also called: AR polycystic kidney disease. Identifiers: Orphanet 731, Orphanet 8378, MedGen C0085548, MeSH D017044, MONDO:0009889.

Allele frequency attached by ClinVar (database versions not stated): 1000 Genomes Project 0.01298; 1000 Genomes Project 30x 0.01421; ESP Exome Variant Server 0.01661; TOPMed 0.01700.
gnomAD v4.1: 4,630 of 1,614,106 alleles (0.29%); highest among the groups gnomAD compares: African/African-American, 5.3%; 102 homozygotes.

Submissions (10):

Labcorp Genetics (formerly Invitae), Labcorp
Classification: Benign for Autosomal recessive polycystic kidney disease. Last evaluated: 2026-02-02. Review status: criteria provided, single submitter. Criteria: Invitae Variant Classification Sherloc (09022015). Collection method: clinical testing. Allele origin: germline.

Blueprint Genetics
Classification: Likely benign. Last evaluated: 2024-11-01. Review status: criteria provided, single submitter. Criteria: ACMG Guidelines, 2015. Collection method: clinical testing. Allele origin: germline.

Mayo Clinic Laboratories, Mayo Clinic
Classification: Benign. Last evaluated: 2024-01-21. Review status: criteria provided, single submitter. Criteria: ACMG Guidelines, 2015. Collection method: clinical testing. Allele origin: germline. Observed: 23 variant alleles.

Department of Pathology and Laboratory Medicine, Sinai Health System
Classification: Benign for Polycystic kidney disease 4. Last evaluated: 2019-09-27. Review status: criteria provided, single submitter. Criteria: ACMG Guidelines, 2015. Collection method: clinical testing. Allele origin: germline. Affected: no.

GeneDx
Classification: Benign. Last evaluated: 2018-07-14. Review status: criteria provided, single submitter. Criteria: GeneDx Variant Classification Process June 2021. Collection method: clinical testing. Allele origin: germline. Affected: yes.

Illumina Laboratory Services, Illumina
Classification: Benign for Polycystic kidney disease 4. Last evaluated: 2017-11-14. Review status: criteria provided, single submitter. Criteria: ICSL Variant Classification Criteria 13 December 2019. Collection method: clinical testing. Allele origin: germline.
Comment: This variant was observed as part of a predisposition screen in an ostensibly healthy population. A literature search was performed for the gene, cDNA change, and amino acid change (where applicable). No publications were found based on this search. Allele frequency data from public databases was too high to be consistent with this variant causing disease. Therefore, this variant is classified as benign.

Women's Health and Genetics/Laboratory Corporation of America, LabCorp
Classification: Benign. Last evaluated: 2016-04-26. Review status: criteria provided, single submitter. Criteria: LabCorp Variant Classification Summary - May 2015. Collection method: clinical testing. Allele origin: germline.
Comment: Variant summary: The c.5199C>A variant involves the alteration of a non-conserved nucleotide resulting in a synonymous change. 4/5 in silico tools via Alamut predict no significant effect on splicing. The variant was observed in the large and broad cohorts of the ExAC project at an allele frequency of 0.50%, predominantly observed in the African subpopulation at a frequency of 5.2% including 14 homozygous occurrences. This frequency exceeds the maximal expected allele frequency for a pathogenic variant in PKHD1 (0.70%), suggesting this is a benign polymorphism found primarily in population(s) of African origin. One reputable clinical lab has classified the variant as "benign" and multiple publications consider the variant to be a polymorphism. Taken together, this variant has been classified as Benign.

Eurofins Ntd Llc (ga)
Classification: Benign. Last evaluated: 2015-07-09. Review status: criteria provided, single submitter. Criteria: EGL Classification Definitions 2015. Collection method: clinical testing. Allele origin: germline. Observed: 2 variant alleles, 2 heterozygotes.

PreventionGenetics, part of Exact Sciences
Classification: Benign. Review status: criteria provided, single submitter. Criteria: ACMG Guidelines, 2015. Collection method: clinical testing. Allele origin: germline.

Natera, Inc.
Classification: Benign for Autosomal recessive polycystic kidney disease. Last evaluated: 2017-06-30. Review status: no assertion criteria provided. Collection method: clinical testing. Allele origin: germline. Not counted in ClinVar's aggregate classification.

Literature cited by the submitters: PubMed 15805161 (cited by Department of Pathology and Laboratory Medicine, Sinai Health System and Women's Health and Genetics/Laboratory Corporation of America, LabCorp); PubMed 12874454 (cited by Department of Pathology and Laboratory Medicine, Sinai Health System and Women's Health and Genetics/Laboratory Corporation of America, LabCorp); PubMed 15108277 (cited by Women's Health and Genetics/Laboratory Corporation of America, LabCorp).

NM_138694.4(PKHD1):c.5199C>A (p.Thr1733=)

Genes: PKHD1 (PKHD1 ciliary IPT domain containing fibrocystin/polyductin; minus strand), LOC126859690 (MED14-independent group 3 enhancer GRCh37_chr6:51888848-51890047; plus strand). Cytogenetic location: 6p12.2.
Variant type: single nucleotide variant.
Coding change: c.5199C>A on transcript NM_138694.4 (MANE Select); coding-DNA position 5199, C replaced by A.
Protein change: p.Thr1733=; no amino-acid change (threonine 1733 retained).
Molecular consequence: synonymous variant.
Genome position (GRCh38, 1-based): chr6:52,024,611, G>T on the plus strand (C>A on the coding strand, the complement: PKHD1 is on the minus strand). VCF-style: chr6-52024611-G-T. GRCh37 (hg19) VCF-style: chr6-51889409-G-T.
Other names: p.Thr1733=; c.5199C>A, p.Thr1733= (NM_170724.3).
Identifiers: ClinVar variation 241846 (VCV000241846.29), dbSNP rs148790132, ClinGen allele CA3852592.